The following is an entry in ClinVar:

GRCh37/hg19 14q21.2(chr14:45528916-46473581)x3

Genes: FANCM (FA complementation group M; plus strand), FKBP3 (FKBP prolyl isomerase 3; minus strand), MIS18BP1 (MIS18 binding protein 1; minus strand), PRPF39 (pre-mRNA processing factor 39; plus strand), TOGARAM1 (TOG array regulator of axonemal microtubules 1; plus strand). Cytogenetic location: 14q21.2.
Variant type: copy number gain.
Change: copy number 3 (three copies instead of two) of chr14:45,528,916-46,473,581 (944.7 kb, GRCh37 coordinates, 1-based), cytogenetic band 14q21.2.
Identifiers: ClinVar variation 988921 (VCV000988921.4).

ClinVar aggregate classification (germline): Uncertain significance (1 of 4 stars; one submission).

Submission:

Illumina Laboratory Services, Illumina
Classification: Uncertain significance. Last evaluated: 2019-04-23. Review status: criteria provided, single submitter. Criteria: ICSL CNVClassificationCriteria Aug2020. Collection method: clinical testing. Allele origin: unknown.
Comment: This CNV is a 944 kb duplication of 14q21.2, on chromosome 14, (seq[GRCh37]dup(14)(q21.2); chr14:g.45528916_46473581dup) which is inherited. This CNV constitutes a gain encompassing seven genes including MIS18BP1, FKBP3, FAM179B, PRPF39, FANCM, BC038722, and SNORD127. Patients with similar gains in this region have not been reported in the peer-reviewed literature. There is one patient with a duplication in this region in the DECIPHER database who is noted to present with seizures (Firth et al. 2009). Based on the limited evidence currently available, this CNV is classified as a variant of uncertain significance.

Literature cited by the submitters: PubMed 19344873.